The following is an entry in ClinVar:

NM_025216.3(WNT10A):c.796G>A (p.Gly266Ser)

Gene: WNT10A (Wnt family member 10A; plus strand). Cytogenetic location: 2q35.
Variant type: single nucleotide variant.
Coding change: c.796G>A on transcript NM_025216.3 (MANE Select); coding-DNA position 796, G replaced by A.
Protein change: p.Gly266Ser; replaces glycine 266 with serine.
Molecular consequence: missense variant.
Genome position (GRCh38, 1-based): chr2:218,892,813, G>A. VCF-style: chr2-218892813-G-A. GRCh37 (hg19) VCF-style: chr2-219757535-G-A.
Other names: short protein forms G266S.
Identifiers: ClinVar variation 965475 (VCV000965475.9), dbSNP rs778752861, ClinGen allele CA2114043.

ClinVar aggregate classification (germline): Conflicting classifications of pathogenicity. Review status: criteria provided, conflicting classifications (1 of 4 stars). 3 submissions from 3 submitters: Likely pathogenic (1); Uncertain significance (1). 1 of the submissions does not count toward it. Last evaluated 2026-01-28.

Conditions:
Odonto-onycho-dermal dysplasia. Identifiers: Orphanet 2721, MedGen C0796093, MONDO:0009773, OMIM 257980.
Tooth agenesis, selective, 4 (STHAG4). Also called: SUCCEDANEOUS TEETH, AGENESIS OF; TOOTH AGENESIS, SELECTIVE, 4, WITH OR WITHOUT ECTODERMAL DYSPLASIA; LATERAL INCISORS, ABSENCE OF; LATERAL INCISORS, PEGGED OR MISSING. Identifiers: Orphanet 99798, MedGen C1835492, MONDO:0007881, OMIM 150400. Disease mechanism: loss of function.
Schöpf-Schulz-Passarge syndrome. Also called: SchC6pf-Schulz-Passarge syndrome; ECCRINE TUMORS WITH ECTODERMAL DYSPLASIA; KERATOSIS PALMOPLANTARIS WITH CYSTIC EYELIDS, HYPODONTIA, AND HYPOTRICHOSIS. Identifiers: Orphanet 50944, MedGen C1857069, MONDO:0009145, OMIM 224750.
WNT10A-related disorder. Also called: WNT10A-related disorders; WNT10A-related condition.

Allele frequency attached by ClinVar (database versions not stated): gnomAD exomes below 0.00001 and 0.00002; ExAC 0.00002; TOPMed 0.00002.
gnomAD v4.1: 31 of 1,596,464 alleles (0.0019%); highest among the groups gnomAD compares: Non-Finnish European, 0.0026%; no homozygotes.

Submissions (3):

Labcorp Genetics (formerly Invitae), Labcorp
Classification: Uncertain significance for Tooth agenesis, selective, 4; Odonto-onycho-dermal dysplasia. Last evaluated: 2026-01-28. Review status: criteria provided, single submitter. Criteria: Invitae Variant Classification Sherloc (09022015). Collection method: clinical testing. Allele origin: germline.
Comment: This sequence change replaces glycine, which is neutral and non-polar, with serine, which is neutral and polar, at codon 266 of the WNT10A protein (p.Gly266Ser). The frequency data for this variant in the population databases is considered unreliable, as metrics indicate poor data quality at this position in the gnomAD database. This missense change has been observed in individual(s) with clinical features of WNT10A-related conditions (PMID: 23401279; internal data). ClinVar contains an entry for this variant (Variation ID: 965475). Invitae Evidence Modeling of protein sequence and biophysical properties (such as structural, functional, and spatial information, amino acid conservation, physicochemical variation, residue mobility, and thermodynamic stability) indicates that this missense variant is expected to disrupt WNT10A protein function with a positive predictive value of 80%. This variant disrupts the p.Gly266 amino acid residue in WNT10A. Other variant(s) that disrupt this residue have been observed in individuals with WNT10A-related conditions (PMID: 21143469), which suggests that this may be a clinically significant amino acid residue. In summary, the available evidence is currently insufficient to determine the role of this variant in disease. Therefore, it has been classified as a Variant of Uncertain Significance.

Blueprint Genetics
Classification: Likely pathogenic for WNT10A-related disorders. Last evaluated: 2023-04-05. Review status: criteria provided, single submitter. Criteria: ACMG Guidelines, 2015. Collection method: clinical testing. Allele origin: germline. Affected: yes. Observed: 3 variant alleles.

Natera, Inc.
Classification: Uncertain significance for Schopf-Schulz-Passarge syndrome. Last evaluated: 2021-06-25. Review status: no assertion criteria provided. Collection method: clinical testing. Allele origin: germline. Not counted in ClinVar's aggregate classification.

Literature cited by the submitters: PubMed 23401279 (cited by Labcorp Genetics (formerly Invitae), Labcorp); PubMed 21143469 (cited by Labcorp Genetics (formerly Invitae), Labcorp).